The following is an entry in ClinVar:

ClinVar aggregate classification (germline): Uncertain significance. Review status: criteria provided, multiple submitters, no conflicts (2 of 4 stars). 2 submissions from 2 submitters: Uncertain significance (2). Last evaluated 2024-11-30.

Conditions:
Mosaic variegated aneuploidy syndrome 1 (MVA1). Also called: Warburton-Anyane-Yeboa syndrome. Identifiers: Orphanet 1052, MedGen C1850343, MONDO:0009759, OMIM 257300.
Inborn genetic diseases. Identifiers: MedGen C0950123, MeSH D030342.

Submissions (2):

Labcorp Genetics (formerly Invitae), Labcorp
Classification: Uncertain significance for Mosaic variegated aneuploidy syndrome 1. Last evaluated: 2024-11-30. Review status: criteria provided, single submitter. Criteria: Invitae Variant Classification Sherloc (09022015). Collection method: clinical testing. Allele origin: germline.
Comment: This sequence change replaces serine, which is neutral and polar, with threonine, which is neutral and polar, at codon 564 of the BUB1B protein (p.Ser564Thr). This variant is not present in population databases (gnomAD no frequency). This variant has not been reported in the literature in individuals affected with BUB1B-related conditions. ClinVar contains an entry for this variant (Variation ID: 943720). An algorithm developed to predict the effect of missense changes on protein structure and function outputs the following: PolyPhen-2: "Benign". The threonine amino acid residue is found in multiple mammalian species, which suggests that this missense change does not adversely affect protein function. In summary, the available evidence is currently insufficient to determine the role of this variant in disease. Therefore, it has been classified as a Variant of Uncertain Significance.

Ambry Genetics
Classification: Uncertain significance for Inborn genetic diseases. Last evaluated: 2021-06-20. Review status: criteria provided, single submitter. Criteria: Ambry Variant Classification Scheme 2023. Collection method: clinical testing. Allele origin: germline.
Comment: The p.S564T variant (also known as c.1690T>A), located in coding exon 14 of the BUB1B gene, results from a T to A substitution at nucleotide position 1690. The serine at codon 564 is replaced by threonine, an amino acid with similar properties. This amino acid position is conserved. In addition, this alteration is predicted to be tolerated by in silico analysis. Since supporting evidence is limited at this time, the clinical significance of this alteration remains unclear.

NM_001211.6(BUB1B):c.1690T>A (p.Ser564Thr)

Gene: BUB1B (BUB1 mitotic checkpoint serine/threonine kinase B; plus strand). Cytogenetic location: 15q15.1.
Variant type: single nucleotide variant.
Coding change: c.1690T>A on transcript NM_001211.6 (MANE Select); coding-DNA position 1690, T replaced by A.
Protein change: p.Ser564Thr; replaces serine 564 with threonine.
Molecular consequence: missense variant.
Genome position (GRCh38, 1-based): chr15:40,202,650, T>A. VCF-style: chr15-40202650-T-A. GRCh37 (hg19) VCF-style: chr15-40494851-T-A.
Other names: short protein forms S564T.
Identifiers: ClinVar variation 943720 (VCV000943720.13), dbSNP rs2037588264, ClinGen allele CA391691653.